The following is an entry in ClinVar:

NM_001384125.1(BLTP1):c.14073G>A (p.Lys4691=)

Gene: BLTP1 (bridge-like lipid transfer protein family member 1; plus strand). Cytogenetic location: 4q27.
Variant type: single nucleotide variant.
Coding change: c.14073G>A on transcript NM_001384125.1 (MANE Select); coding-DNA position 14073, G replaced by A.
Protein change: p.Lys4691=; no amino-acid change (lysine 4691 retained).
Molecular consequence: synonymous variant.
Genome position (GRCh38, 1-based): chr4:122,350,034, G>A. VCF-style: chr4-122350034-G-A. GRCh37 (hg19) VCF-style: chr4-123271189-G-A.
Other names: c.13809G>A, p.Lys4603= (NM_015312.4).
Identifiers: ClinVar variation 1294870 (VCV001294870.4), dbSNP rs17005674, ClinGen allele CA3068279.

ClinVar aggregate classification (germline): Benign. Review status: criteria provided, single submitter (1 of 4 stars). 2 submissions from 2 submitters: Benign (1). 1 of the submissions does not count toward it. Last evaluated 2021-05-04.

Conditions:
BLTP1-related disorder. Also called: BLTP1-related condition.

Allele frequency attached by ClinVar (database versions not stated): gnomAD exomes 0.00372 and 0.00982; ExAC 0.01164; gnomAD 0.03642 and 0.03908; ESP Exome Variant Server 0.03713; 1000 Genomes Project 0.04073; TOPMed 0.04087; 1000 Genomes Project 30x 0.04466.
gnomAD v4.1: 11,186 of 1,613,740 alleles (0.69%); highest among the groups gnomAD compares: African/African-American, 13%; 666 homozygotes.

Submissions (2):

GeneDx
Classification: Benign. Last evaluated: 2021-05-04. Review status: criteria provided, single submitter. Criteria: GeneDx Variant Classification Process June 2021. Collection method: clinical testing. Allele origin: germline. Affected: yes.

PreventionGenetics, part of Exact Sciences
Classification: Benign for BLTP1-related condition. Last evaluated: 2019-03-19. Review status: no assertion criteria provided. Collection method: clinical testing. Allele origin: germline. Not counted in ClinVar's aggregate classification.
Comment: This variant is classified as benign based on ACMG/AMP sequence variant interpretation guidelines (Richards et al. 2015 PMID: 25741868, with internal and published modifications).